The following is an entry in ClinVar:

ClinVar aggregate classification (germline): Uncertain significance. Review status: criteria provided, multiple submitters, no conflicts (2 of 4 stars). 2 submissions from 2 submitters: Uncertain significance (2). Last evaluated 2022-07-25.

Conditions:
Inborn genetic diseases. Identifiers: MedGen C0950123, MeSH D030342.

Allele frequency attached by ClinVar (database versions not stated): gnomAD exomes below 0.00001; TOPMed below 0.00001.
gnomAD v4.1: 4 of 1,612,816 alleles (0.00025%); highest among the groups gnomAD compares: Admixed American, 0.0017%; no homozygotes.

Submissions (2):

Labcorp Genetics (formerly Invitae), Labcorp
Classification: Uncertain significance. Last evaluated: 2022-07-25. Review status: criteria provided, single submitter. Criteria: Invitae Variant Classification Sherloc (09022015). Collection method: clinical testing. Allele origin: germline.
Comment: ClinVar contains an entry for this variant (Variation ID: 1368298). In summary, the available evidence is currently insufficient to determine the role of this variant in disease. Therefore, it has been classified as a Variant of Uncertain Significance. Algorithms developed to predict the effect of missense changes on protein structure and function output the following: SIFT: "Tolerated"; PolyPhen-2: "Benign"; Align-GVGD: "Class C0". The valine amino acid residue is found in multiple mammalian species, which suggests that this missense change does not adversely affect protein function. This variant has not been reported in the literature in individuals affected with CACNA2D4-related conditions. This variant is not present in population databases (gnomAD no frequency). This sequence change replaces isoleucine, which is neutral and non-polar, with valine, which is neutral and non-polar, at codon 660 of the CACNA2D4 protein (p.Ile660Val).

Ambry Genetics
Classification: Uncertain significance for Inborn genetic diseases. Last evaluated: 2021-08-30. Review status: criteria provided, single submitter. Criteria: Ambry Variant Classification Scheme 2023. Collection method: clinical testing. Allele origin: germline.

NM_172364.5(CACNA2D4):c.1978A>G (p.Ile660Val)

Gene: CACNA2D4 (calcium voltage-gated channel auxiliary subunit alpha2delta 4; minus strand). Cytogenetic location: 12p13.33.
Variant type: single nucleotide variant.
Coding change: c.1978A>G on transcript NM_172364.5 (MANE Select); coding-DNA position 1978, A replaced by G.
Protein change: p.Ile660Val; replaces isoleucine 660 with valine.
Molecular consequence: missense variant.
Genome position (GRCh38, 1-based): chr12:1,858,607, T>C on the plus strand (A>G on the coding strand, the complement: CACNA2D4 is on the minus strand). VCF-style: chr12-1858607-T-C. GRCh37 (hg19) VCF-style: chr12-1967773-T-C.
Other names: c.1978A>G (NM_172364.4); short protein forms I660V.
Identifiers: ClinVar variation 1368298 (VCV001368298.7), dbSNP rs1262338329, ClinGen allele CA383349736.